The following is an entry in ClinVar:

NM_000540.3(RYR1):c.5205G>T (p.Val1735=)

Gene: RYR1 (ryanodine receptor 1; plus strand). Cytogenetic location: 19q13.2.
Variant type: single nucleotide variant.
Coding change: c.5205G>T on transcript NM_000540.3 (MANE Select); coding-DNA position 5205, G replaced by T.
Protein change: p.Val1735=; no amino-acid change (valine 1735 retained).
Molecular consequence: synonymous variant.
Genome position (GRCh38, 1-based): chr19:38,485,860, G>T. VCF-style: chr19-38485860-G-T. GRCh37 (hg19) VCF-style: chr19-38976500-G-T.
Other names: c.5205G>T, p.Val1735= (NM_001042723.2).
Identifiers: ClinVar variation 3054060 (VCV003054060.2), dbSNP rs373939223, ClinGen allele CA507353223.

ClinVar aggregate classification (germline): Likely benign (0 of 4 stars; one submission).

Conditions:
RYR1-related disorder. Also called: RYR1-related condition; RYR1-related disorders. Identifiers: MedGen CN239331.

gnomAD v4.1: 1 of 1,613,690 alleles (0.000062%); highest among the groups gnomAD compares: Middle Eastern, 0.017%; no homozygotes.

Submission:

PreventionGenetics, part of Exact Sciences
Classification: Likely benign for RYR1-related condition. Last evaluated: 2020-05-14. Review status: no assertion criteria provided. Collection method: clinical testing. Allele origin: germline.
Comment: This variant is classified as likely benign based on ACMG/AMP sequence variant interpretation guidelines (Richards et al. 2015 PMID: 25741868, with internal and published modifications).